The following is an entry in ClinVar:

ClinVar aggregate classification (germline): Benign. Review status: criteria provided, multiple submitters, no conflicts (2 of 4 stars). 4 submissions from 4 submitters: Benign (4). Last evaluated 2026-02-04.

Conditions:
Primary familial hypertrophic cardiomyopathy (HCM). Identifiers: Orphanet 99739, MedGen C0949658, MeSH D024741, MONDO:0024573. Inheritance: Various modes of inheritance.
Dilated cardiomyopathy 1AA (CMD1AA). Also called: CARDIOMYOPATHY, DILATED, 1AA, WITH OR WITHOUT LEFT VENTRICULAR NONCOMPACTION; CARDIOMYOPATHY, FAMILIAL HYPERTROPHIC, 23, WITH OR WITHOUT LEFT VENTRICULAR NONCOMPACTION; Cardiomyopathy, dilated, 1AA, with or without LVNC. Identifiers: Orphanet 154, MedGen C2677338, MONDO:0012808, OMIM 612158.

Allele frequency attached by ClinVar (database versions not stated): gnomAD exomes 0.01454 and 0.03855; ExAC 0.03762; ESP Exome Variant Server 0.06228; gnomAD 0.06692 and 0.06968; TOPMed 0.07906; 1000 Genomes Project 0.07927; 1000 Genomes Project 30x 0.08588.

Submissions (4):

Labcorp Genetics (formerly Invitae), Labcorp
Classification: Benign for Primary familial hypertrophic cardiomyopathy; Dilated cardiomyopathy 1AA. Last evaluated: 2026-02-04. Review status: criteria provided, single submitter. Criteria: Invitae Variant Classification Sherloc (09022015). Collection method: clinical testing. Allele origin: germline.

Molecular Diagnostic Laboratory for Inherited Cardiovascular Disease, Montreal Heart Institute
Classification: Benign. Last evaluated: 2025-04-09. Review status: criteria provided, single submitter. Criteria: ACMG Guidelines, 2015. Collection method: clinical testing. Allele origin: germline. Affected: no.

GeneDx
Classification: Benign. Last evaluated: 2012-10-18. Review status: criteria provided, single submitter. Criteria: GeneDx Variant Classification (06012015). Collection method: clinical testing. Allele origin: germline. Affected: yes.
Comment: This variant is considered likely benign or benign based on one or more of the following criteria: it is a conservative change, it occurs at a poorly conserved position in the protein, it is predicted to be benign by multiple in silico algorithms, and/or has population frequency not consistent with disease.

Laboratory for Molecular Medicine, Mass General Brigham Personalized Medicine
Classification: Benign. Last evaluated: 2008-12-03. Review status: criteria provided, single submitter. Criteria: LMM Criteria. Collection method: clinical testing. Allele origin: germline. Observed: 47 variant alleles.

NM_001103.4(ACTN2):c.378= (p.Asn126=)

Gene: ACTN2 (actinin alpha 2; plus strand). Cytogenetic location: 1q43.
Variant type: single nucleotide variant.
Coding change: c.378= on transcript NM_001103.4 (MANE Select); coding-DNA position 378, no change from the reference sequence.
Protein change: p.Asn126=; no amino-acid change (asparagine 126 retained).
Molecular consequence: no sequence alteration.
Genome position: GRCh38 VCF-style: chr1-236720121-C-C. GRCh37 (hg19) VCF-style: chr1-236883421-C-C.
Other names: p.N126N:AAT>AAC; c.378=, p.Asn126= (NM_001278343.2); c.-444= (NM_001278344.2).
Identifiers: ClinVar variation 136283 (VCV000136283.18), dbSNP rs1341863.